The following is an entry in ClinVar:

NM_000787.4(DBH):c.1375G>C (p.Gly459Arg)

Gene: DBH (dopamine beta-hydroxylase; plus strand). Cytogenetic location: 9q34.2.
Variant type: single nucleotide variant.
Coding change: c.1375G>C on transcript NM_000787.4 (MANE Select); coding-DNA position 1375, G replaced by C.
Protein change: p.Gly459Arg; replaces glycine 459 with arginine.
Molecular consequence: missense variant.
Genome position (GRCh38, 1-based): chr9:133,652,940, G>C. VCF-style: chr9-133652940-G-C. GRCh37 (hg19) VCF-style: chr9-136518062-G-C.
Other names: short protein forms G459R.
Identifiers: ClinVar variation 4869589 (VCV004869589.1).
Genomic context (GRCh38, chr9:133,652,940, plus strand): 5'-CCTCCAGCACCTGCCAACGCCAGGTGGCAGGTGCTGATGGTCACATTGGCTTTTCCTCAG[G>C]GAGATGTGCTCATCACCTCCTGCACGTACAACACAGAAGACCGGGAGCTGGCCACAGTGG-3'
Protein context (NP_000778.3, residues 449-469): MLKKVVSVHP[Gly459Arg]DVLITSCTYN

ClinVar aggregate classification (germline): Uncertain significance (1 of 4 stars; one submission).

Conditions:
Inborn genetic diseases. Identifiers: MedGen C0950123, MeSH D030342.

gnomAD v4.1: 14 of 1,613,258 alleles (0.00087%); highest among the groups gnomAD compares: African/African-American, 0.004%; no homozygotes.

Submission:

Ambry Genetics
Classification: Uncertain significance for Inborn genetic diseases. Last evaluated: 2026-05-11. Review status: criteria provided, single submitter. Criteria: Ambry Variant Classification Scheme 2023. Collection method: clinical testing. Allele origin: germline.
Comment: The c.1375G>C (p.G459R) alteration is located in exon 9 (coding exon 9) of the DBH gene. This alteration results from a G to C substitution at nucleotide position 1375, causing the glycine (G) at amino acid position 459 to be replaced by an arginine (R). Based on data from gnomAD, the C allele has an overall frequency of <0.001% (1/251142) total alleles studied. The highest observed frequency was 0.001% (1/113520) of European (non-Finnish) alleles. Based on insufficient or conflicting evidence, the clinical significance of this alteration remains unclear.